The following is an entry in ClinVar:

ClinVar aggregate classification (germline): Likely benign. Review status: criteria provided, single submitter (1 of 4 stars). 2 submissions from 2 submitters: Likely benign (1). 1 of the submissions does not count toward it. Last evaluated 2026-09-01.

Conditions:
WDR37-related disorder. Also called: WDR37-related condition.

Allele frequency attached by ClinVar (database versions not stated): gnomAD exomes 0.00035; ExAC 0.00097; gnomAD 0.00304; 1000 Genomes Project 30x 0.00312; TOPMed 0.00315; ESP Exome Variant Server 0.00346; 1000 Genomes Project 0.00359.
gnomAD v4.1: 1,030 of 1,614,148 alleles (0.064%); highest among the groups gnomAD compares: African/African-American, 0.97%; 6 homozygotes.

Submissions (2):

CeGaT Center for Human Genetics Tuebingen
Classification: Likely benign. Last evaluated: 2026-09-01. Review status: criteria provided, single submitter. Criteria: CeGaT Center For Human Genetics Tuebingen Variant Classification Criteria Version 2. Collection method: clinical testing. Allele origin: germline. Affected: yes. Observed: 4 variant alleles.
Comment: WDR37: BP4, BP7

PreventionGenetics, part of Exact Sciences
Classification: Benign for WDR37-related condition. Last evaluated: 2020-04-29. Review status: no assertion criteria provided. Collection method: clinical testing. Allele origin: germline. Not counted in ClinVar's aggregate classification.
Comment: This variant is classified as benign based on ACMG/AMP sequence variant interpretation guidelines (Richards et al. 2015 PMID: 25741868, with internal and published modifications).

NM_014023.4(WDR37):c.363A>G (p.Lys121=)

Gene: WDR37 (WD repeat domain 37; plus strand). Cytogenetic location: 10p15.3.
Variant type: single nucleotide variant.
Coding change: c.363A>G on transcript NM_014023.4 (MANE Select); coding-DNA position 363, A replaced by G.
Protein change: p.Lys121=; no amino-acid change (lysine 121 retained).
Molecular consequence: synonymous variant.
Genome position (GRCh38, 1-based): chr10:1,080,443, A>G. VCF-style: chr10-1080443-A-G. GRCh37 (hg19) VCF-style: chr10-1126383-A-G.
Other names: c.363A>G (NM_014023.3).
Identifiers: ClinVar variation 2640273 (VCV002640273.25), dbSNP rs73578536, ClinGen allele CA5383948.
Genomic context (GRCh38, chr10:1,080,443, plus strand): 5'-TGTTTGATTGTCACTCTCTGTCCCTGCAGCCAGTCACAGCACCAGCCAGCTCTCCCAGAA[A>G]CTGAAGACCACTTACAAGGCTTCCACCAGCAAGGTATGCAGGCCACTGGCTCTTGAGCCA-3'
Protein context (NP_054742.2, residues 111-131): ASHSTSQLSQ[Lys121=]LKTTYKASTS